The following is an entry in ClinVar:

ClinVar aggregate classification (germline): Pathogenic/Likely pathogenic. Review status: criteria provided, multiple submitters, no conflicts (2 of 4 stars). 2 submissions from 2 submitters: Pathogenic (1); Likely pathogenic (1). Last evaluated 2019-10-24.

Conditions:
Arthrogryposis, distal, type 1A. Also called: ARTHROGRYPOSIS MULTIPLEX CONGENITA, DISTAL, TYPE I. Identifiers: Orphanet 1146, MedGen C6022280, MONDO:0007157, OMIM 108120.

Allele frequency attached by ClinVar (database versions not stated): TOPMed below 0.00001; gnomAD 0.00001.
gnomAD v4.1: 24 of 1,613,686 alleles (0.0015%); highest among the groups gnomAD compares: Non-Finnish European, 0.0019%; no homozygotes.

Submissions (2):

Labcorp Genetics (formerly Invitae), Labcorp
Classification: Pathogenic for Arthrogryposis, distal, type 1A. Last evaluated: 2019-10-24. Review status: criteria provided, single submitter. Criteria: Invitae Variant Classification Sherloc (09022015). Collection method: clinical testing. Allele origin: germline.
Comment: For these reasons, this variant has been classified as Pathogenic. Loss-of-function variants in TPM2 are known to be pathogenic (PMID: 19155175, 27726070). Algorithms developed to predict the effect of sequence changes on RNA splicing suggest that this variant may create or strengthen a splice site, but this prediction has not been confirmed by published transcriptional studies. This variant has not been reported in the literature in individuals with TPM2-related conditions. ClinVar contains an entry for this variant (Variation ID: 450194). This variant is not present in population databases (ExAC no frequency). This sequence change creates a premature translational stop signal (p.Gln24*) in the TPM2 gene. It is expected to result in an absent or disrupted protein product.

GeneDx
Classification: Likely pathogenic. Last evaluated: 2018-06-15. Review status: criteria provided, single submitter. Criteria: GeneDx Variant Classification (06012015). Collection method: clinical testing. Allele origin: germline. Affected: yes.
Comment: The Q24X variant is not observed in large population cohorts (Lek et al., 2016; 1000 Genomes Consortium et al., 2015; Exome Variant Server). This variant is predicted to cause loss of normal protein function either through protein truncation or nonsense-mediated mRNA decay. Although the Q24X variant has not been previously reported to our knowledge, other nonsense variants in the TPM2 gene have been previously reported in the Human Gene Mutation Database in association with TPM2-related disorders (Stenson et al., 2014).

Literature cited by the submitters: PubMed 19155175 (cited by Labcorp Genetics (formerly Invitae), Labcorp); PubMed 27726070 (cited by Labcorp Genetics (formerly Invitae), Labcorp).

NM_003289.4(TPM2):c.70C>T (p.Gln24Ter)

Gene: TPM2 (tropomyosin 2; minus strand). Cytogenetic location: 9p13.3.
Variant type: single nucleotide variant.
Coding change: c.70C>T on transcript NM_003289.4 (MANE Select); coding-DNA position 70, C replaced by T.
Protein change: p.Gln24Ter; replaces glutamine 24 with a stop codon.
Molecular consequence: nonsense.
Genome position (GRCh38, 1-based): chr9:35,689,748, G>A on the plus strand (C>T on the coding strand, the complement: TPM2 is on the minus strand). VCF-style: chr9-35689748-G-A. GRCh37 (hg19) VCF-style: chr9-35689745-G-A.
Other names: c.70C>T, p.Gln24Ter (NM_001301226.2, NM_001301227.2, NM_213674.1); short protein forms Q24*.
Identifiers: ClinVar variation 450194 (VCV000450194.8), dbSNP rs201987709, ClinGen allele CA192759904.